The following is an entry in ClinVar:

ClinVar aggregate classification (germline): Benign. Review status: criteria provided, multiple submitters, no conflicts (2 of 4 stars). 3 submissions from 3 submitters: Benign (2). 1 of the submissions does not count toward it. Last evaluated 2026-02-02.

Conditions:
PITRM1-related disorder. Also called: PITRM1-related condition.

Allele frequency attached by ClinVar (database versions not stated): 1000 Genomes Project 0.00958; 1000 Genomes Project 30x 0.01031; gnomAD exomes 0.01981 and 0.03404; ExAC 0.01984; gnomAD 0.02185 and 0.02256; TOPMed 0.02251; ESP Exome Variant Server 0.02450.
gnomAD v4.1: 52,095 of 1,600,600 alleles (3.3%); highest among the groups gnomAD compares: Non-Finnish European, 4.1%; 1,071 homozygotes.

Submissions (3):

Labcorp Genetics (formerly Invitae), Labcorp
Classification: Benign. Last evaluated: 2026-02-02. Review status: criteria provided, single submitter. Criteria: Invitae Variant Classification Sherloc (09022015). Collection method: clinical testing. Allele origin: germline.

Breakthrough Genomics
Classification: Benign. Review status: criteria provided, single submitter. Criteria: ACMG Guidelines, 2015. Collection method: not provided. Allele origin: germline. Inheritance: Autosomal recessive inheritance. Affected: yes.

PreventionGenetics, part of Exact Sciences
Classification: Benign for PITRM1-related condition. Last evaluated: 2019-11-15. Review status: no assertion criteria provided. Collection method: clinical testing. Allele origin: germline. Not counted in ClinVar's aggregate classification.
Comment: This variant is classified as benign based on ACMG/AMP sequence variant interpretation guidelines (Richards et al. 2015 PMID: 25741868, with internal and published modifications).

NM_014889.4(PITRM1):c.1233G>A (p.Thr411=)

Gene: PITRM1 (pitrilysin metallopeptidase 1; minus strand). Cytogenetic location: 10p15.2.
Variant type: single nucleotide variant.
Coding change: c.1233G>A on transcript NM_014889.4 (MANE Select); coding-DNA position 1233, G replaced by A.
Protein change: p.Thr411=; no amino-acid change (threonine 411 retained).
Molecular consequence: synonymous variant. On other transcripts: 5 prime UTR variant (1), non-coding transcript variant (4).
Genome position (GRCh38, 1-based): chr10:3,158,057, C>T on the plus strand (G>A on the coding strand, the complement: PITRM1 is on the minus strand). VCF-style: chr10-3158057-C-T. GRCh37 (hg19) VCF-style: chr10-3200249-C-T.
Other names: c.1233G>A (NM_001242307.1); c.1233G>A, p.Thr411= (NM_001242307.2, NM_001347725.2); c.1137G>A, p.Thr379= (NM_001242309.1); c.618G>A, p.Thr206= (NM_001347726.2, NM_001347727.2); c.-68G>A (NM_001347728.2); c.1209G>A, p.Thr403= (NM_001347729.1, NM_001347730.1).
Identifiers: ClinVar variation 1633957 (VCV001633957.11), dbSNP rs45600442, ClinGen allele CA5387881.